The following is an entry in ClinVar:

ClinVar aggregate classification (germline): Uncertain significance (1 of 4 stars; one submission).

Allele frequency attached by ClinVar (database versions not stated): gnomAD exomes 0.00001 and 0.00002; gnomAD 0.00002; TOPMed 0.00002.
gnomAD v4.1: 26 of 1,612,576 alleles (0.0016%); highest among the groups gnomAD compares: African/African-American, 0.0027%; no homozygotes.

Submission:

GeneDx
Classification: Uncertain significance. Last evaluated: 2024-09-20. Review status: criteria provided, single submitter. Criteria: GeneDx Variant Classification Process June 2021. Collection method: clinical testing. Allele origin: germline. Affected: yes.
Comment: Not observed at significant frequency in large population cohorts (gnomAD); In silico analysis supports that this missense variant has a deleterious effect on protein structure/function; Has not been previously published as pathogenic or benign to our knowledge

NM_133259.4(LRPPRC):c.3817C>G (p.Leu1273Val)

Gene: LRPPRC (leucine rich pentatricopeptide repeat containing; minus strand). Cytogenetic location: 2p21.
Variant type: single nucleotide variant.
Coding change: c.3817C>G on transcript NM_133259.4 (MANE Select); coding-DNA position 3817, C replaced by G.
Protein change: p.Leu1273Val; replaces leucine 1273 with valine.
Molecular consequence: missense variant.
Genome position (GRCh38, 1-based): chr2:43,899,227, G>C on the plus strand (C>G on the coding strand, the complement: LRPPRC is on the minus strand). VCF-style: chr2-43899227-G-C. GRCh37 (hg19) VCF-style: chr2-44126366-G-C.
Other names: short protein forms L1273V.
Identifiers: ClinVar variation 1310462 (VCV001310462.3), dbSNP rs200748493, ClinGen allele CA46506305.